The following is an entry in ClinVar:

ClinVar aggregate classification (germline): Pathogenic (1 of 4 stars; one submission).

Submission:

Labcorp Genetics (formerly Invitae), Labcorp
Classification: Pathogenic. Last evaluated: 2023-10-05. Review status: criteria provided, single submitter. Criteria: Invitae Variant Classification Sherloc (09022015). Collection method: clinical testing. Allele origin: germline.
Comment: This sequence change creates a premature translational stop signal (p.Gly76Argfs*9) in the PKDCC gene. It is expected to result in an absent or disrupted protein product. Loss-of-function variants in PKDCC are known to be pathogenic (PMID: 19097194, 30478137). The frequency data for this variant in the population databases is considered unreliable, as metrics indicate insufficient coverage at this position in the gnomAD database. This variant has not been reported in the literature in individuals affected with PKDCC-related conditions. For these reasons, this variant has been classified as Pathogenic.

Literature cited by the submitters: PubMed 19097194; PubMed 30478137.

NM_138370.3(PKDCC):c.226_235del (p.Gly76fs)

Gene: PKDCC (protein kinase domain containing, cytoplasmic; plus strand). Cytogenetic location: 2p21.
Variant type: Deletion.
Coding change: c.226_235del on transcript NM_138370.3 (MANE Select); coding-DNA positions 226 to 235, 10 bases deleted (GGGCCCGGGG; older notation c.226_235delGGGCCCGGGG).
Protein change: p.Gly76fs; shifts the reading frame from glycine 76.
Molecular consequence: frameshift variant.
Genome position (GRCh38, 1-based): chr2:42,048,425-42,048,434, GGGCCCGGGG deleted. VCF-style (leftmost placement, unchanged base first): chr2-42048424-CGGGCCCGGGG-C. GRCh37 (hg19) VCF-style: chr2-42275564-CGGGCCCGGGG-C.
Other names: short protein forms G76fs.
Identifiers: ClinVar variation 2753588 (VCV002753588.3), dbSNP rs2465740348, ClinGen allele CA2697548012.
Genomic context (GRCh38, chr2:42,048,424, plus strand): 5'-GCTGGCCCGGCAGATCCGGGCGCGCTACGAGGAGGTGCAGCGCTATTCCCGCGGGGGCCC[CGGGCCCGGGG>C]CGGGCCGGCCGGAGCGGCGGCGCCTGATGGACCTGGCTCCGGGCGGGCCCGGCCTGCCGC-3'